The following is an entry in ClinVar:

ClinVar aggregate classification (germline): Likely pathogenic (1 of 4 stars; one submission).

Conditions:
Glycine encephalopathy. Also called: Nonketotic hyperglycinemia; Non-ketotic hyperglycinemia. Identifiers: Orphanet 407, MedGen C0751748, MONDO:0011612, HP:0008288.

Submission:

Labcorp Genetics (formerly Invitae), Labcorp
Classification: Likely pathogenic for Glycine encephalopathy. Last evaluated: 2022-04-14. Review status: criteria provided, single submitter. Criteria: Invitae Variant Classification Sherloc (09022015). Collection method: clinical testing. Allele origin: germline.
Comment: This variant results in a copy number gain of the genomic region encompassing exon(s) 5 of the AMT gene. While the exact position of this variant cannot be determined from the data, sub-genic copy number gains are generally in tandem (PMID: 25640679). This variant is predicted to be out-of-frame, and may result in an absent or disrupted protein product. Loss-of-function variants in AMT are known to be pathogenic (PMID: 16450403). This variant has not been reported in the literature in individuals affected with AMT-related conditions. In summary, the currently available evidence indicates that the variant is pathogenic, but additional data are needed to prove that conclusively. Therefore, this variant has been classified as Likely Pathogenic.

Literature cited by the submitters: PubMed 25640679; PubMed 16450403.

NC_000003.12:g.(?_49419700)_(49419798_?)dup

Gene: AMT (aminomethyltransferase; minus strand). Cytogenetic location: 3p21.31.
Variant type: Duplication.
Identifiers: ClinVar variation 830943 (VCV000830943.9).